The following is an entry in ClinVar:

NM_002016.2(FLG):c.9347C>G (p.Ser3116Ter)

Genes: CCDST (cervical cancer associated DHX9 suppressive transcript; plus strand), FLG (filaggrin; minus strand). Cytogenetic location: 1q21.3.
Variant type: single nucleotide variant.
Coding change: c.9347C>G on transcript NM_002016.2 (MANE Select); coding-DNA position 9347, C replaced by G.
Protein change: p.Ser3116Ter; replaces serine 3116 with a stop codon.
Molecular consequence: nonsense.
Genome position (GRCh38, 1-based): chr1:152,305,539, G>C on the plus strand (C>G on the coding strand, the complement: FLG is on the minus strand). VCF-style: chr1-152305539-G-C. GRCh37 (hg19) VCF-style: chr1-152278015-G-C.
Other names: short protein forms S3116*.
Identifiers: ClinVar variation 3383114 (VCV003383114.3).

ClinVar aggregate classification (germline): Uncertain significance (1 of 4 stars; one submission).

Conditions:
Dermatitis, atopic, 2. Identifiers: MedGen C1853965, MONDO:0011596, OMIM 605803.
Ichthyosis vulgaris. Also called: ICHTHYOSIS SIMPLEX; Dominant ichthyosis vulgaris. Identifiers: MedGen C0079584, MONDO:0024304, OMIM 146700.

Submission:

Juno Genomics, Hangzhou Juno Genomics, Inc
Classification: Uncertain significance for Dermatitis, atopic, 2; Ichthyosis vulgaris. Review status: criteria provided, single submitter. Criteria: ACMG Guidelines, 2015. Collection method: clinical testing. Allele origin: germline.
Comment: Null variant in a gene where loss of function (LOF) is a known mechanism of disease.;Absent from controls (or at extremely low frequency if recessive) in Genome Aggregation Database.